The following is an entry in ClinVar:

NM_013275.6(ANKRD11):c.3751A>G (p.Lys1251Glu)

Gene: ANKRD11 (ankyrin repeat domain 11; minus strand). Cytogenetic location: 16q24.3.
Variant type: single nucleotide variant.
Coding change: c.3751A>G on transcript NM_013275.6 (MANE Select); coding-DNA position 3751, A replaced by G.
Protein change: p.Lys1251Glu; replaces lysine 1251 with glutamic acid.
Molecular consequence: missense variant.
Genome position (GRCh38, 1-based): chr16:89,282,791, T>C on the plus strand (A>G on the coding strand, the complement: ANKRD11 is on the minus strand). VCF-style: chr16-89282791-T-C. GRCh37 (hg19) VCF-style: chr16-89349199-T-C.
Other names: c.3751A>G, p.Lys1251Glu (NM_001256182.2, NM_001256183.2); short protein forms K1251E.
Identifiers: ClinVar variation 3905743 (VCV003905743.10).

ClinVar aggregate classification (germline): Uncertain significance (1 of 4 stars; one submission).

gnomAD v4.1: 9 of 1,612,024 alleles (0.00056%); highest among the groups gnomAD compares: Non-Finnish European, 0.00076%; no homozygotes.

Submission:

CeGaT Center for Human Genetics Tuebingen
Classification: Uncertain significance. Last evaluated: 2025-04-01. Review status: criteria provided, single submitter. Criteria: CeGaT Center For Human Genetics Tuebingen Variant Classification Criteria Version 2. Collection method: clinical testing. Allele origin: germline. Affected: yes. Observed: 1 variant allele.
Comment: ANKRD11: PM2:Supporting, BP4